The following is an entry in ClinVar:

NM_000465.4(BARD1):c.1640A>G (p.Glu547Gly)

Gene: BARD1 (BRCA1 associated RING domain 1; minus strand). Cytogenetic location: 2q35.
Variant type: single nucleotide variant.
Coding change: c.1640A>G on transcript NM_000465.4 (MANE Select); coding-DNA position 1640, A replaced by G.
Protein change: p.Glu547Gly; replaces glutamic acid 547 with glycine.
Molecular consequence: missense variant. On other transcripts: non-coding transcript variant (3), intron variant (1).
Genome position (GRCh38, 1-based): chr2:214,752,484, T>C on the plus strand (A>G on the coding strand, the complement: BARD1 is on the minus strand). VCF-style: chr2-214752484-T-C. GRCh37 (hg19) VCF-style: chr2-215617208-T-C.
Other names: c.1583A>G, p.Glu528Gly (NM_001282543.2); c.287A>G, p.Glu96Gly (NM_001282545.2); c.230A>G, p.Glu77Gly (NM_001282548.2); c.365-21976A>G (NM_001282549.2); short protein forms E528G, E547G, E77G, E96G.
Identifiers: ClinVar variation 4867407 (VCV004867407.1).

ClinVar aggregate classification (germline): Uncertain significance (1 of 4 stars; one submission).

Conditions:
Hereditary cancer-predisposing syndrome. Also called: Neoplastic Syndromes, Hereditary; Tumor predisposition; Hereditary Cancer Syndrome; Hereditary neoplastic syndrome. Identifiers: Orphanet 140162, MedGen C0027672, MeSH D009386, MONDO:0015356.

Submission:

Ambry Genetics
Classification: Uncertain significance for Hereditary cancer-predisposing syndrome. Last evaluated: 2026-06-08. Review status: criteria provided, single submitter. Criteria: Ambry Variant Classification Scheme 2023. Collection method: clinical testing. Allele origin: germline.
Comment: The p.E547G variant (also known as c.1640A>G), located in coding exon 7 of the BARD1 gene, results from an A to G substitution at nucleotide position 1640. The glutamic acid at codon 547 is replaced by glycine, an amino acid with similar properties. This amino acid position is conserved. In addition, the in silico prediction for this alteration is inconclusive. Based on the available evidence, the clinical significance of this variant remains unclear.